The following is an entry in ClinVar:

ClinVar aggregate classification (germline): Uncertain significance (1 of 4 stars; one submission).

Conditions:
Cardiovascular phenotype. Identifiers: MedGen CN230736.
Hereditary cancer-predisposing syndrome. Also called: Tumor predisposition; Hereditary neoplastic syndrome; Neoplastic Syndromes, Hereditary; Hereditary Cancer Syndrome. Identifiers: Orphanet 140162, MedGen C0027672, MeSH D009386, MONDO:0015356.

Submission:

Ambry Genetics
Classification: Uncertain significance for Cardiovascular phenotype; Hereditary cancer-predisposing syndrome. Last evaluated: 2025-06-07. Review status: criteria provided, single submitter. Criteria: Ambry Variant Classification Scheme 2023. Collection method: clinical testing. Allele origin: germline.
Comment: The p.D194E variant (also known as c.582C>A), located in coding exon 6 of the LZTR1 gene, results from a C to A substitution at nucleotide position 582. The aspartic acid at codon 194 is replaced by glutamic acid, an amino acid with highly similar properties. This amino acid position is conserved. In addition, the in silico prediction for this alteration is inconclusive. Based on the available evidence, the clinical significance of this variant remains unclear.

NM_006767.4(LZTR1):c.582C>A (p.Asp194Glu)

Gene: LZTR1 (leucine zipper like post translational regulator 1; plus strand). Cytogenetic location: 22q11.21.
Variant type: single nucleotide variant.
Coding change: c.582C>A on transcript NM_006767.4 (MANE Select); coding-DNA position 582, C replaced by A.
Protein change: p.Asp194Glu; replaces aspartic acid 194 with glutamic acid.
Molecular consequence: missense variant.
Genome position (GRCh38, 1-based): chr22:20,988,861, C>A. VCF-style: chr22-20988861-C-A. GRCh37 (hg19) VCF-style: chr22-21343150-C-A.
Other names: short protein forms D194E.
Identifiers: ClinVar variation 3995329 (VCV003995329.1).